The following is an entry in ClinVar:

ClinVar aggregate classification (germline): Uncertain significance (1 of 4 stars; one submission).

Conditions:
Hereditary cancer-predisposing syndrome. Also called: Neoplastic Syndromes, Hereditary; Tumor predisposition; Hereditary neoplastic syndrome; Hereditary Cancer Syndrome. Identifiers: Orphanet 140162, MedGen C0027672, MeSH D009386, MONDO:0015356.

Submission:

Ambry Genetics
Classification: Uncertain significance for Hereditary cancer-predisposing syndrome. Last evaluated: 2026-07-13. Review status: criteria provided, single submitter. Criteria: Ambry Variant Classification Scheme 2023. Collection method: clinical testing. Allele origin: germline.
Comment: The p.S554G variant (also known as c.1660A>G), located in coding exon 12 of the PTCH1 gene, results from an A to G substitution at nucleotide position 1660. The serine at codon 554 is replaced by glycine, an amino acid with similar properties. This amino acid position is highly conserved in available vertebrate species. In addition, this alteration is predicted to be deleterious by in silico analysis. Based on the available evidence, the clinical significance of this variant remains unclear.

NM_000264.5(PTCH1):c.1660A>G (p.Ser554Gly)

Gene: PTCH1 (patched 1; minus strand). Cytogenetic location: 9q22.32.
Variant type: single nucleotide variant.
Coding change: c.1660A>G on transcript NM_000264.5 (MANE Select); coding-DNA position 1660, A replaced by G.
Protein change: p.Ser554Gly; replaces serine 554 with glycine.
Molecular consequence: missense variant. On other transcripts: non-coding transcript variant (1).
Genome position (GRCh38, 1-based): chr9:95,476,102, T>C on the plus strand (A>G on the coding strand, the complement: PTCH1 is on the minus strand). VCF-style: chr9-95476102-T-C. GRCh37 (hg19) VCF-style: chr9-98238384-T-C.
Other names: c.1657A>G, p.Ser553Gly (NM_001083603.3); c.1207A>G, p.Ser403Gly (NM_001083604.3, NM_001083605.3, NM_001083606.3 and 1 more transcripts); c.1504A>G, p.Ser502Gly (NM_001354918.2); c.1462A>G, p.Ser488Gly (NM_001083602.3); short protein forms S502G, S488G, S553G, S554G, S403G.
Identifiers: ClinVar variation 5027459 (VCV005027459.1).